The following is an entry in ClinVar:

ClinVar aggregate classification (germline): Uncertain significance. Review status: criteria provided, multiple submitters, no conflicts (2 of 4 stars). 3 submissions from 3 submitters: Uncertain significance (3). Last evaluated 2023-10-17.

Conditions:
Inborn genetic diseases. Identifiers: MedGen C0950123, MeSH D030342.
Filippi syndrome (FLPIS). Identifiers: Orphanet 3255, MedGen C0795940, MONDO:0010092, OMIM 272440.

Allele frequency attached by ClinVar (database versions not stated): TOPMed 0.00002; gnomAD 0.00005; gnomAD exomes 0.00007; ExAC 0.00017; 1000 Genomes Project 30x 0.00078; 1000 Genomes Project 0.00100.
gnomAD v4.1: 110 of 1,614,212 alleles (0.0068%); highest among the groups gnomAD compares: South Asian, 0.12%; no homozygotes.

Submissions (3):

Ambry Genetics
Classification: Uncertain significance for Inborn genetic diseases. Last evaluated: 2023-10-17. Review status: criteria provided, single submitter. Criteria: Ambry Variant Classification Scheme 2023. Collection method: clinical testing. Allele origin: germline.

Revvity Omics, Revvity
Classification: Uncertain significance for Filippi syndrome. Last evaluated: 2019-02-13. Review status: criteria provided, single submitter. Criteria: ACMG Guidelines, 2015. Collection method: clinical testing. Allele origin: germline.

Neuberg Centre For Genomic Medicine, NCGM
Classification: Uncertain significance for Filippi syndrome. Review status: criteria provided, single submitter. Criteria: ACMG Guidelines, 2015. Collection method: clinical testing. Allele origin: germline. Inheritance: Autosomal recessive inheritance. Affected: yes.
Comment: The missense variant c.1283A>G (p.Gln428Arg) in CKAP2L gene has not been reported previously as a pathogenic variant nor as a benign variant, to our knowledge. The p.Gln428Arg variant is reported as 0.01% in gnomAD exomes and not present in 1000 Genome database. The amino acid Gln at position 428 is changed to a Arg changing protein sequence and it might alter its composition and physico-chemical properties. For these reasons, this variant has been classified as Uncertain Significance .

NM_152515.5(CKAP2L):c.1283A>G (p.Gln428Arg)

Gene: CKAP2L (cytoskeleton associated protein 2 like; minus strand). Cytogenetic location: 2q14.1.
Variant type: single nucleotide variant.
Coding change: c.1283A>G on transcript NM_152515.5 (MANE Select); coding-DNA position 1283, A replaced by G.
Protein change: p.Gln428Arg; replaces glutamine 428 with arginine.
Molecular consequence: missense variant. On other transcripts: non-coding transcript variant (1).
Genome position (GRCh38, 1-based): chr2:112,756,088, T>C on the plus strand (A>G on the coding strand, the complement: CKAP2L is on the minus strand). VCF-style: chr2-112756088-T-C. GRCh37 (hg19) VCF-style: chr2-113513665-T-C.
Other names: c.1283A>G (NM_152515.3); c.788A>G, p.Gln263Arg (NM_001304361.2); short protein forms Q263R, Q428R.
Identifiers: ClinVar variation 2440093 (VCV002440093.5), dbSNP rs538466607, ClinGen allele CA1836688.